The following is an entry in ClinVar:

ClinVar aggregate classification (germline): Uncertain significance. Review status: criteria provided, multiple submitters, no conflicts (2 of 4 stars). 2 submissions from 2 submitters: Uncertain significance (2). Last evaluated 2026-06-23.

Conditions:
HNF1B-related disorder. Also called: HNF1B-related disorders; HNF1B-related condition.

gnomAD v4.1: 4 of 1,613,246 alleles (0.00025%); highest among the groups gnomAD compares: Admixed American, 0.0067%; no homozygotes.

Submissions (2):

PreventionGenetics, part of Exact Sciences
Classification: Uncertain significance for HNF1B-related condition. Last evaluated: 2026-06-23. Review status: criteria provided, single submitter. Criteria: ACMG Guidelines, 2015. Collection method: clinical testing. Allele origin: germline.
Comment: The HNF1B c.1660C>G variant is predicted to result in the amino acid substitution p.Leu554Val. To our knowledge, this variant has not been reported in the literature. This variant is reported in 0.0087% of alleles in individuals of Latino descent in gnomAD. At this time, the clinical significance of this variant is uncertain due to the absence of conclusive functional and genetic evidence.

Labcorp Genetics (formerly Invitae), Labcorp
Classification: Uncertain significance. Last evaluated: 2025-10-23. Review status: criteria provided, single submitter. Criteria: Invitae Variant Classification Sherloc (09022015). Collection method: clinical testing. Allele origin: germline.
Comment: This sequence change replaces leucine, which is neutral and non-polar, with valine, which is neutral and non-polar, at codon 554 of the HNF1B protein (p.Leu554Val). This variant is present in population databases (no rsID available, gnomAD 0.009%). This variant has not been reported in the literature in individuals affected with HNF1B-related conditions. Invitae Evidence Modeling of protein sequence and biophysical properties (such as structural, functional, and spatial information, amino acid conservation, physicochemical variation, residue mobility, and thermodynamic stability) has been performed for this missense variant. However, the output from this modeling did not meet the statistical confidence thresholds required to predict the impact of this variant on HNF1B protein function. In summary, the available evidence is currently insufficient to determine the role of this variant in disease. Therefore, it has been classified as a Variant of Uncertain Significance.

NM_000458.4(HNF1B):c.1660C>G (p.Leu554Val)

Gene: HNF1B (HNF1 homeobox B; minus strand). Cytogenetic location: 17q12.
Variant type: single nucleotide variant.
Coding change: c.1660C>G on transcript NM_000458.4 (MANE Select); coding-DNA position 1660, C replaced by G.
Protein change: p.Leu554Val; replaces leucine 554 with valine.
Molecular consequence: missense variant.
Genome position (GRCh38, 1-based): chr17:37,687,386, G>C on the plus strand (C>G on the coding strand, the complement: HNF1B is on the minus strand). VCF-style: chr17-37687386-G-C. GRCh37 (hg19) VCF-style: chr17-36047389-G-C.
Other names: c.1660C>G (NM_000458.3); c.1582C>G, p.Leu528Val (NM_001165923.4); c.1268C>G, p.Ser423Cys (NM_001304286.2); c.1541C>G, p.Ser514Cys (NM_001411100.1); short protein forms L528V, L554V, S423C, S514C.
Identifiers: ClinVar variation 4744999 (VCV004744999.2).